The following is an entry in ClinVar:

ClinVar aggregate classification (germline): Uncertain significance (1 of 4 stars; one submission).

Allele frequency attached by ClinVar (database versions not stated): gnomAD exomes below 0.00001 and 0.00001; gnomAD 0.00001 and 0.00002; TOPMed 0.00002; 1000 Genomes Project 30x 0.00016; 1000 Genomes Project 0.00020.

Submission:

Labcorp Genetics (formerly Invitae), Labcorp
Classification: Uncertain significance. Last evaluated: 2022-01-11. Review status: criteria provided, single submitter. Criteria: Invitae Variant Classification Sherloc (09022015). Collection method: clinical testing. Allele origin: germline.
Comment: In summary, the available evidence is currently insufficient to determine the role of this variant in disease. Therefore, it has been classified as a Variant of Uncertain Significance. Advanced modeling of protein sequence and biophysical properties (such as structural, functional, and spatial information, amino acid conservation, physicochemical variation, residue mobility, and thermodynamic stability) performed at Invitae indicates that this missense variant is not expected to disrupt PCYT1A protein function. This variant has not been reported in the literature in individuals affected with PCYT1A-related conditions. This variant is not present in population databases (gnomAD no frequency). This sequence change replaces asparagine, which is neutral and polar, with serine, which is neutral and polar, at codon 350 of the PCYT1A protein (p.Asn350Ser).

NM_001312673.2(PCYT1A):c.1049A>G (p.Asn350Ser)

Gene: PCYT1A (phosphate cytidylyltransferase 1A, choline; minus strand). Cytogenetic location: 3q29.
Variant type: single nucleotide variant.
Coding change: c.1049A>G on transcript NM_001312673.2 (MANE Select); coding-DNA position 1049, A replaced by G.
Protein change: p.Asn350Ser; replaces asparagine 350 with serine.
Molecular consequence: missense variant.
Genome position (GRCh38, 1-based): chr3:196,238,743, T>C on the plus strand (A>G on the coding strand, the complement: PCYT1A is on the minus strand). VCF-style: chr3-196238743-T-C. GRCh37 (hg19) VCF-style: chr3-195965614-T-C.
Other names: c.1049A>G, p.Asn350Ser (NM_005017.4); short protein forms N350S.
Identifiers: ClinVar variation 1381686 (VCV001381686.6), dbSNP rs200512211, ClinGen allele CA90849703.